The following is an entry in ClinVar:

NM_001943.5(DSG2):c.1727A>T (p.Gln576Leu)

Gene: DSG2 (desmoglein 2; plus strand). Cytogenetic location: 18q12.1.
Variant type: single nucleotide variant.
Coding change: c.1727A>T on transcript NM_001943.5 (MANE Select); coding-DNA position 1727, A replaced by T.
Protein change: p.Gln576Leu; replaces glutamine 576 with leucine.
Molecular consequence: missense variant.
Genome position (GRCh38, 1-based): chr18:31,538,826, A>T. VCF-style: chr18-31538826-A-T. GRCh37 (hg19) VCF-style: chr18-29118789-A-T.
Other names: short protein forms Q576L.
Identifiers: ClinVar variation 3505431 (VCV003505431.3).

ClinVar aggregate classification (germline): Uncertain significance. Review status: criteria provided, multiple submitters, no conflicts (2 of 4 stars). 2 submissions from 2 submitters: Uncertain significance (2). Last evaluated 2024-08-20.

Conditions:
Arrhythmogenic right ventricular dysplasia 10. Also called: Arrhythmogenic Right Ventricular Dysplasia/Cardiomyopathy10; ARRHYTHMOGENIC RIGHT VENTRICULAR DYSPLASIA, FAMILIAL, 10; Arrhythmogenic right ventricular dysplasia/cardiomyopathy, type 10. Identifiers: MedGen C1857777, MONDO:0012434, OMIM 610193.
Cardiovascular phenotype. Identifiers: MedGen CN230736.

Submissions (2):

Ambry Genetics
Classification: Uncertain significance for Cardiovascular phenotype. Last evaluated: 2024-08-20. Review status: criteria provided, single submitter. Criteria: Ambry Variant Classification Scheme 2023. Collection method: clinical testing. Allele origin: germline.

Labcorp Genetics (formerly Invitae), Labcorp
Classification: Uncertain significance for Arrhythmogenic right ventricular dysplasia 10. Last evaluated: 2024-06-12. Review status: criteria provided, single submitter. Criteria: Invitae Variant Classification Sherloc (09022015). Collection method: clinical testing. Allele origin: germline.
Comment: This sequence change replaces glutamine, which is neutral and polar, with leucine, which is neutral and non-polar, at codon 576 of the DSG2 protein (p.Gln576Leu). This variant is present in population databases (rs374071428, gnomAD 0.007%). This variant has not been reported in the literature in individuals affected with DSG2-related conditions. Advanced modeling of protein sequence and biophysical properties (such as structural, functional, and spatial information, amino acid conservation, physicochemical variation, residue mobility, and thermodynamic stability) performed at Invitae indicates that this missense variant is not expected to disrupt DSG2 protein function with a negative predictive value of 95%. In summary, the available evidence is currently insufficient to determine the role of this variant in disease. Therefore, it has been classified as a Variant of Uncertain Significance.